The following is an entry in ClinVar:

ClinVar aggregate classification (germline): Uncertain significance. Review status: criteria provided, multiple submitters, no conflicts (2 of 4 stars). 2 submissions from 2 submitters: Uncertain significance (2). Last evaluated 2025-08-06.

Conditions:
Glycogen storage disease, type II (IOPD). Also called: POMPE DISEASE, INFANTILE-ONSET; GLYCOGEN STORAGE DISEASE II, INFANTILE-ONSET; ACID ALPHA-GLUCOSIDASE DEFICIENCY, INFANTILE-ONSET; GAA DEFICIENCY, INFANTILE-ONSET; ACID MALTASE DEFICIENCY, INFANTILE-ONSET; GLYCOGENOSIS, GENERALIZED, CARDIAC FORM. Identifiers: Orphanet 365, MedGen C0017921, MONDO:0009290, OMIM 232300.
Cardiovascular phenotype. Identifiers: MedGen CN230736.

gnomAD v4.1: 1 of 1,612,890 alleles (0.000062%); highest among the groups gnomAD compares: Non-Finnish European, 0.000085%; no homozygotes.

Submissions (2):

Ambry Genetics
Classification: Uncertain significance for Cardiovascular phenotype. Last evaluated: 2025-08-06. Review status: criteria provided, single submitter. Criteria: Ambry Variant Classification Scheme 2023. Collection method: clinical testing. Allele origin: germline.
Comment: The p.F90I variant (also known as c.268T>A), located in coding exon 1 of the GAA gene, results from a T to A substitution at nucleotide position 268. The phenylalanine at codon 90 is replaced by isoleucine, an amino acid with highly similar properties. This amino acid position is conserved. In addition, the in silico prediction for this alteration is inconclusive. Based on the available evidence, the clinical significance of this variant remains unclear.

Labcorp Genetics (formerly Invitae), Labcorp
Classification: Uncertain significance for Glycogen storage disease, type II. Last evaluated: 2021-08-30. Review status: criteria provided, single submitter. Criteria: Invitae Variant Classification Sherloc (09022015). Collection method: clinical testing. Allele origin: germline.
Comment: This sequence change replaces phenylalanine with isoleucine at codon 90 of the GAA protein (p.Phe90Ile). The phenylalanine residue is highly conserved and there is a small physicochemical difference between phenylalanine and isoleucine. This variant is not present in population databases (ExAC no frequency). This variant has not been reported in the literature in individuals affected with GAA-related conditions. Algorithms developed to predict the effect of missense changes on protein structure and function are either unavailable or do not agree on the potential impact of this missense change (SIFT: "Tolerated"; PolyPhen-2: "Probably Damaging"; Align-GVGD: "Class C0"). In summary, the available evidence is currently insufficient to determine the role of this variant in disease. Therefore, it has been classified as a Variant of Uncertain Significance.

NM_000152.5(GAA):c.268T>A (p.Phe90Ile)

Gene: GAA (alpha glucosidase; plus strand). Cytogenetic location: 17q25.3.
Variant type: single nucleotide variant.
Coding change: c.268T>A on transcript NM_000152.5 (MANE Select); coding-DNA position 268, T replaced by A.
Protein change: p.Phe90Ile; replaces phenylalanine 90 with isoleucine.
Molecular consequence: missense variant.
Genome position (GRCh38, 1-based): chr17:80,104,854, T>A. VCF-style: chr17-80104854-T-A. GRCh37 (hg19) VCF-style: chr17-78078653-T-A.
Other names: c.268T>A, p.Phe90Ile (NM_001079803.3, NM_001079804.3); short protein forms F90I.
Identifiers: ClinVar variation 840480 (VCV000840480.8), dbSNP rs755402236, ClinGen allele CA401360571.
Genomic context (GRCh38, chr17:80,104,854, plus strand): 5'-GCACACCCCGGCCGTCCCAGAGCAGTGCCCACACAGTGCGACGTCCCCCCCAACAGCCGC[T>A]TCGATTGCGCCCCTGACAAGGCCATCACCCAGGAACAGTGCGAGGCCCGCGGCTGTTGCT-3'
Protein context (NP_000143.2, residues 80-100): TQCDVPPNSR[Phe90Ile]DCAPDKAITQ